The following is an entry in ClinVar:

ClinVar aggregate classification (germline): Uncertain significance (1 of 4 stars; one submission).

Conditions:
Gastrointestinal stromal tumor. Also called: Gastrointestinal stromal tumor, somatic; Gastrointestinal stroma tumor. Identifiers: Orphanet 44890, MedGen C0238198, MeSH D046152, MONDO:0011719, OMIM 606764, HP:0100723.

Submission:

Labcorp Genetics (formerly Invitae), Labcorp
Classification: Uncertain significance for Gastrointestinal stromal tumor. Last evaluated: 2023-02-14. Review status: criteria provided, single submitter. Criteria: Invitae Variant Classification Sherloc (09022015). Collection method: clinical testing. Allele origin: germline.
Comment: In summary, the available evidence is currently insufficient to determine the role of this variant in disease. Therefore, it has been classified as a Variant of Uncertain Significance. Advanced modeling of protein sequence and biophysical properties (such as structural, functional, and spatial information, amino acid conservation, physicochemical variation, residue mobility, and thermodynamic stability) performed at Invitae indicates that this missense variant is not expected to disrupt PDGFRA protein function. This variant has not been reported in the literature in individuals affected with PDGFRA-related conditions. This variant is not present in population databases (gnomAD no frequency). This sequence change replaces methionine, which is neutral and non-polar, with isoleucine, which is neutral and non-polar, at codon 218 of the PDGFRA protein (p.Met218Ile).

NM_006206.6(PDGFRA):c.654G>T (p.Met218Ile)

Gene: PDGFRA (platelet derived growth factor receptor alpha; plus strand). Cytogenetic location: 4q12.
Variant type: single nucleotide variant.
Coding change: c.654G>T on transcript NM_006206.6 (MANE Select); coding-DNA position 654, G replaced by T.
Protein change: p.Met218Ile; replaces methionine 218 with isoleucine.
Molecular consequence: missense variant.
Genome position (GRCh38, 1-based): chr4:54,264,944, G>T. VCF-style: chr4-54264944-G-T. GRCh37 (hg19) VCF-style: chr4-55131111-G-T.
Other names: c.654G>T, p.Met218Ile (NM_001347827.2, NM_001347829.2); c.729G>T, p.Met243Ile (NM_001347828.2); c.693G>T, p.Met231Ile (NM_001347830.2); short protein forms M218I, M243I, M231I.
Identifiers: ClinVar variation 2837352 (VCV002837352.3), dbSNP rs2110257610, ClinGen allele CA356890770.